The following is an entry in ClinVar:

ClinVar aggregate classification (germline): Likely benign. Review status: criteria provided, multiple submitters, no conflicts (2 of 4 stars). 2 submissions from 2 submitters: Likely benign (2). Last evaluated 2025-02-06.

Conditions:
Left ventricular noncompaction 8 (LVNC8). Identifiers: Orphanet 154, Orphanet 54260, MedGen C3809288, MONDO:0014152, OMIM 615373.

Allele frequency attached by ClinVar (database versions not stated): gnomAD exomes 0.00002 and 0.00004; gnomAD 0.00003 and 0.00004; ExAC 0.00004; TOPMed 0.00005; ESP Exome Variant Server 0.00016.
gnomAD v4.1: 38 of 1,612,734 alleles (0.0024%); highest among the groups gnomAD compares: East Asian, 0.022%; no homozygotes.

Submissions (2):

Labcorp Genetics (formerly Invitae), Labcorp
Classification: Likely benign for Left ventricular noncompaction 8. Last evaluated: 2025-02-06. Review status: criteria provided, single submitter. Criteria: Invitae Variant Classification Sherloc (09022015). Collection method: clinical testing. Allele origin: germline.

GeneDx
Classification: Likely benign. Last evaluated: 2018-03-09. Review status: criteria provided, single submitter. Criteria: GeneDx Variant Classification (06012015). Collection method: clinical testing. Allele origin: germline. Affected: yes.
Comment: This variant is considered likely benign or benign based on one or more of the following criteria: it is a conservative change, it occurs at a poorly conserved position in the protein, it is predicted to be benign by multiple in silico algorithms, and/or has population frequency not consistent with disease.

NM_022114.4(PRDM16):c.114C>T (p.Ala38=)

Gene: PRDM16 (PR/SET domain 16; plus strand). Cytogenetic location: 1p36.32.
Variant type: single nucleotide variant.
Coding change: c.114C>T on transcript NM_022114.4 (MANE Select); coding-DNA position 114, C replaced by T.
Protein change: p.Ala38=; no amino-acid change (alanine 38 retained).
Molecular consequence: synonymous variant.
Genome position (GRCh38, 1-based): chr1:3,186,201, C>T. VCF-style: chr1-3186201-C-T. GRCh37 (hg19) VCF-style: chr1-3102765-C-T.
Other names: c.114C>T, p.Ala38= (NM_199454.3).
Identifiers: ClinVar variation 516028 (VCV000516028.4), dbSNP rs372823594, ClinGen allele CA543708.